The following is an entry in ClinVar:

ClinVar aggregate classification (germline): Uncertain significance (0 of 4 stars; one submission).

Conditions:
ALMS1-related disorder. Also called: ALMS1-related condition.

Submission:

PreventionGenetics, part of Exact Sciences
Classification: Uncertain significance for ALMS1-related condition. Last evaluated: 2024-08-30. Review status: no assertion criteria provided. Collection method: clinical testing. Allele origin: germline.
Comment: The ALMS1 c.1804G>C variant is predicted to result in the amino acid substitution p.Ala602Pro. To our knowledge, this variant has not been reported in the literature. This variant is reported in 0.0018% of alleles in individuals of European (Non-Finnish) descent in gnomAD. At this time, the clinical significance of this variant is uncertain due to the absence of conclusive functional and genetic evidence.

NM_001378454.1(ALMS1):c.1801G>C (p.Val601Leu)

Gene: ALMS1 (ALMS1 centrosome and basal body associated protein; plus strand). Cytogenetic location: 2p13.1.
Variant type: single nucleotide variant.
Coding change: c.1801G>C on transcript NM_001378454.1 (MANE Select); coding-DNA position 1801, G replaced by C.
Protein change: p.Val601Leu; replaces valine 601 with leucine.
Molecular consequence: missense variant.
Genome position (GRCh38, 1-based): chr2:73,448,328, G>C. VCF-style: chr2-73448328-G-C. GRCh37 (hg19) VCF-style: chr2-73675455-G-C.
Other names: c.1804G>C, p.Val602Leu (NM_015120.4); short protein forms V601L, V602L.
Identifiers: ClinVar variation 3348858 (VCV003348858.1).